The following is an entry in ClinVar:

NM_000110.4(DPYD):c.1764del (p.Arg589fs)

Gene: DPYD (dihydropyrimidine dehydrogenase; minus strand). Cytogenetic location: 1p21.3.
Variant type: Deletion.
Coding change: c.1764del on transcript NM_000110.4 (MANE Select); coding-DNA position 1764, one base deleted (C; older notation c.1764delC).
Protein change: p.Arg589fs; shifts the reading frame from arginine 589.
Molecular consequence: frameshift variant.
Genome position (GRCh38, 1-based): chr1:97,450,200, G deleted on the plus strand (C on the coding strand, the reverse complement: DPYD is on the minus strand); the first of 5 consecutive G bases (chr1:97,450,200-97,450,204); deleting any one gives the same sequence. VCF-style (leftmost placement, unchanged base first): chr1-97450199-TG-T. GRCh37 (hg19) VCF-style: chr1-97915755-TG-T.
Other names: short protein forms R589fs.
Identifiers: ClinVar variation 632121 (VCV000632121.6), dbSNP rs1346124437, ClinGen allele CA525177587.

ClinVar aggregate classification (germline): Likely pathogenic. Review status: criteria provided, multiple submitters, no conflicts (2 of 4 stars). 2 submissions from 2 submitters: Likely pathogenic (2). Last evaluated 2023-04-25.

Conditions:
Dihydropyrimidine dehydrogenase deficiency (DPYDD). Also called: DPD DEFICIENCY; DPYD DEFICIENCY; Hereditary Thymine-Uraciluria. Identifiers: Orphanet 1675, MedGen C1959620, MONDO:0010130, OMIM 274270.

Submissions (2):

Baylor Genetics
Classification: Likely pathogenic for Dihydropyrimidine dehydrogenase deficiency. Last evaluated: 2023-04-25. Review status: criteria provided, single submitter. Criteria: ACMG Guidelines, 2015. Collection method: clinical testing. Allele origin: unknown.

Women's Health and Genetics/Laboratory Corporation of America, LabCorp
Classification: Likely pathogenic for Dihydropyrimidine dehydrogenase deficiency. Last evaluated: 2022-09-27. Review status: criteria provided, single submitter. Criteria: LabCorp Variant Classification Summary - May 2015. Collection method: clinical testing. Allele origin: germline.
Comment: Variant summary: DPYD c.1764delC (p.Arg589GlufsX20) results in a premature termination codon, predicted to cause a truncation of the encoded protein or absence of the protein due to nonsense mediated decay, which are commonly known mechanisms for disease. Truncations downstream of this position have been associated with Dihydropyrimidine dehydrogenase deficiency in HGMD. The variant allele was found at a frequency of 4e-06 in 251048 control chromosomes. To our knowledge, no occurrence of c.1764delC in individuals affected with Dihydropyrimidine Dehydrogenase Deficiency and no experimental evidence demonstrating its impact on protein function have been reported. One clinical diagnostic laboratory has submitted clinical-significance assessments for this variant to ClinVar after 2014 and classified the variant as uncertain significance. Based on the evidence outlined above, the variant was classified as likely pathogenic.

Literature cited by the submitters: PubMed 32973300 (cited by Women's Health and Genetics/Laboratory Corporation of America, LabCorp).